The following is an entry in ClinVar:

ClinVar aggregate classification (germline): Benign/Likely benign. Review status: criteria provided, multiple submitters, no conflicts (2 of 4 stars). 4 submissions from 4 submitters: Benign (1); Likely benign (3). Last evaluated 2024-08-29.

Conditions:
Familial cancer of breast. Also called: hereditary breast carcinoma; BREAST CANCER, FAMILIAL; Hereditary breast cancer. Identifiers: Orphanet 227535, MedGen C0346153, MONDO:0016419, OMIM 114480. Disease mechanism: loss of function.
Fanconi anemia complementation group J. Also called: BRIP1-Related Fanconi Anemia. Identifiers: Orphanet 84, MedGen C1836860, MONDO:0012187, OMIM 609054.
Hereditary cancer-predisposing syndrome. Also called: Hereditary Cancer Syndrome; Hereditary neoplastic syndrome; Neoplastic Syndromes, Hereditary; Tumor predisposition. Identifiers: Orphanet 140162, MedGen C0027672, MeSH D009386, MONDO:0015356.

Submissions (4):

Myriad Genetics, Inc.
Classification: Benign for Familial cancer of breast. Last evaluated: 2024-08-29. Review status: criteria provided, single submitter. Criteria: Myriad Autosomal Dominant, Autosomal Recessive and X-Linked Classification Criteria (2023). Collection method: clinical testing. Allele origin: unknown.
Comment: This variant is considered benign. This variant is a silent/synonymous amino acid change and it is not expected to impact splicing.

Ambry Genetics
Classification: Likely benign for Hereditary cancer-predisposing syndrome. Last evaluated: 2020-03-04. Review status: criteria provided, single submitter. Criteria: Ambry Variant Classification Scheme 2023. Collection method: clinical testing. Allele origin: germline.

Labcorp Genetics (formerly Invitae), Labcorp
Classification: Likely benign for Familial cancer of breast; Fanconi anemia complementation group J. Last evaluated: 2019-06-13. Review status: criteria provided, single submitter. Criteria: Invitae Variant Classification Sherloc (09022015). Collection method: clinical testing. Allele origin: germline.

Color Diagnostics, LLC DBA Color Health
Classification: Likely benign for Hereditary cancer-predisposing syndrome. Last evaluated: 2019-01-02. Review status: criteria provided, single submitter. Criteria: ACMG Guidelines, 2015. Collection method: clinical testing. Allele origin: germline.

NM_032043.3(BRIP1):c.1689T>C (p.Asp563=)

Gene: BRIP1 (BRCA1 interacting DNA helicase 1; minus strand). Cytogenetic location: 17q23.2.
Variant type: single nucleotide variant.
Coding change: c.1689T>C on transcript NM_032043.3 (MANE Select); coding-DNA position 1689, T replaced by C.
Protein change: p.Asp563=; no amino-acid change (aspartic acid 563 retained).
Molecular consequence: synonymous variant.
Genome position (GRCh38, 1-based): chr17:61,780,945, A>G on the plus strand (T>C on the coding strand, the complement: BRIP1 is on the minus strand). VCF-style: chr17-61780945-A-G. GRCh37 (hg19) VCF-style: chr17-59858306-A-G.
Identifiers: ClinVar variation 922187 (VCV000922187.15), dbSNP rs1603334654, ClinGen allele CA501150564.